The following is an entry in ClinVar:

ClinVar aggregate classification (germline): Benign/Likely benign. Review status: criteria provided, multiple submitters, no conflicts (2 of 4 stars). 3 submissions from 3 submitters: Benign (1); Likely benign (2). Last evaluated 2026-03-01.

Allele frequency attached by ClinVar (database versions not stated): gnomAD exomes 0.00036 and 0.00088; ExAC 0.00101; gnomAD 0.00368 and 0.00391; ESP Exome Variant Server 0.00377; 1000 Genomes Project 0.00399; TOPMed 0.00411; 1000 Genomes Project 30x 0.00453.

Submissions (3):

CeGaT Center for Human Genetics Tuebingen
Classification: Likely benign. Last evaluated: 2026-03-01. Review status: criteria provided, single submitter. Criteria: CeGaT Center For Human Genetics Tuebingen Variant Classification Criteria Version 2. Collection method: clinical testing. Allele origin: germline. Affected: yes. Observed: 2 variant alleles.
Comment: CASZ1: BP4, BP7, BS1

Labcorp Genetics (formerly Invitae), Labcorp
Classification: Benign. Last evaluated: 2026-01-13. Review status: criteria provided, single submitter. Criteria: Invitae Variant Classification Sherloc (09022015). Collection method: clinical testing. Allele origin: germline.

Blueprint Genetics
Classification: Likely benign. Last evaluated: 2024-11-13. Review status: criteria provided, single submitter. Criteria: ACMG Guidelines, 2015. Collection method: clinical testing. Allele origin: germline.

NM_001079843.3(CASZ1):c.1920C>T (p.Tyr640=)

Gene: CASZ1 (castor zinc finger 1; minus strand). Cytogenetic location: 1p36.22.
Variant type: single nucleotide variant.
Coding change: c.1920C>T on transcript NM_001079843.3 (MANE Select); coding-DNA position 1920, C replaced by T.
Protein change: p.Tyr640=; no amino-acid change (tyrosine 640 retained).
Molecular consequence: synonymous variant.
Genome position (GRCh38, 1-based): chr1:10,654,137, G>A on the plus strand (C>T on the coding strand, the complement: CASZ1 is on the minus strand). VCF-style: chr1-10654137-G-A. GRCh37 (hg19) VCF-style: chr1-10714194-G-A.
Other names: c.1920C>T, p.Tyr640= (NM_017766.5).
Identifiers: ClinVar variation 782356 (VCV000782356.16), dbSNP rs143683501, ClinGen allele CA584978.
Genomic context (GRCh38, chr1:10,654,137, plus strand): 5'-CACGCAGCCCTCGTACTTGCACTCCTCGTACTTGTAGAACTTCTTGAAGCCGTCCTTGGC[G>A]TAGGCATCGTCCTTGATGTGGTAGCTCTTGTGCTTCTCGATGTCACACTTGTTCTTGAAA-3'
Protein context (NP_001073312.1, residues 630-650): HKSYHIKDDA[Tyr640=]AKDGFKKFYK